The following is an entry in ClinVar:

NM_015378.4(VPS13D):c.2453C>A (p.Ser818Ter)

Gene: VPS13D (vacuolar protein sorting 13 homolog D; plus strand). Cytogenetic location: 1p36.22.
Variant type: single nucleotide variant.
Coding change: c.2453C>A on transcript NM_015378.4 (MANE Select); coding-DNA position 2453, C replaced by A.
Protein change: p.Ser818Ter; replaces serine 818 with a stop codon.
Molecular consequence: nonsense.
Genome position (GRCh38, 1-based): chr1:12,276,041, C>A. VCF-style: chr1-12276041-C-A. GRCh37 (hg19) VCF-style: chr1-12336098-C-A.
Other names: c.2453C>A, p.Ser818Ter (NM_018156.4); short protein forms S818*.
Identifiers: ClinVar variation 2853729 (VCV002853729.3), dbSNP rs201820442, ClinGen allele CA338471578.
Genomic context (GRCh38, chr1:12,276,041, plus strand): 5'-AGTTCAGTGAAGAACAGCTTCAAGCACATTTAATGAGCACAAAGATGTATGAGAGGTACT[C>A]GCTGTCATTTATGGACCTCCAGATCATGGTTGGACGAGTGAAAGACAATTGGAAGCATGT-3'

ClinVar aggregate classification (germline): Pathogenic (1 of 4 stars; one submission).

Submission:

Labcorp Genetics (formerly Invitae), Labcorp
Classification: Pathogenic. Last evaluated: 2023-04-21. Review status: criteria provided, single submitter. Criteria: Invitae Variant Classification Sherloc (09022015). Collection method: clinical testing. Allele origin: germline.
Comment: This variant is not present in population databases (gnomAD no frequency). This variant has not been reported in the literature in individuals affected with VPS13D-related conditions. For these reasons, this variant has been classified as Pathogenic. This sequence change creates a premature translational stop signal (p.Ser818*) in the VPS13D gene. It is expected to result in an absent or disrupted protein product. Loss-of-function variants in VPS13D are known to be pathogenic (PMID: 29518281).

Literature cited by the submitters: PubMed 29518281.